The following is an entry in ClinVar:

NM_182961.4(SYNE1):c.7885C>G (p.Leu2629Val)

Gene: SYNE1 (spectrin repeat containing nuclear envelope protein 1; minus strand). Cytogenetic location: 6q25.2.
Variant type: single nucleotide variant.
Coding change: c.7885C>G on transcript NM_182961.4 (MANE Select); coding-DNA position 7885, C replaced by G.
Protein change: p.Leu2629Val; replaces leucine 2629 with valine.
Molecular consequence: missense variant.
Genome position (GRCh38, 1-based): chr6:152,391,396, G>C on the plus strand (C>G on the coding strand, the complement: SYNE1 is on the minus strand). VCF-style: chr6-152391396-G-C. GRCh37 (hg19) VCF-style: chr6-152712531-G-C.
Other names: c.7906C>G, p.Leu2636Val (NM_033071.5); short protein forms L2629V, L2636V.
Identifiers: ClinVar variation 1975803 (VCV001975803.5), dbSNP rs750505130, ClinGen allele CA366108953.

ClinVar aggregate classification (germline): Uncertain significance (1 of 4 stars; one submission).

Conditions:
Emery-Dreifuss muscular dystrophy 4, autosomal dominant (EDMD4). Also called: EMERY-DREIFUSS MUSCULAR DYSTROPHY 4 WITH VARIABLE FEATURES. Identifiers: Orphanet 261, MedGen C2751807, MONDO:0013071, OMIM 612998.
Autosomal recessive ataxia, Beauce type. Also called: SYNE1 Deficiency; Spinocerebellar ataxia, autosomal recessive 8; ATAXIA, RECESSIVE, OF BEAUCE; SYNE1-Related Autosomal Recessive Cerebellar Ataxia. Identifiers: Orphanet 88644, MedGen C1853116, MONDO:0012549, OMIM 610743.

gnomAD v4.1: 3 of 1,613,896 alleles (0.00019%); highest among the groups gnomAD compares: Admixed American, 0.005%; no homozygotes.

Submission:

Labcorp Genetics (formerly Invitae), Labcorp
Classification: Uncertain significance for Emery-Dreifuss muscular dystrophy 4, autosomal dominant; Autosomal recessive ataxia, Beauce type. Last evaluated: 2022-04-08. Review status: criteria provided, single submitter. Criteria: Invitae Variant Classification Sherloc (09022015). Collection method: clinical testing. Allele origin: germline.
Comment: This sequence change replaces leucine, which is neutral and non-polar, with valine, which is neutral and non-polar, at codon 2636 of the SYNE1 protein (p.Leu2636Val). In summary, the available evidence is currently insufficient to determine the role of this variant in disease. Therefore, it has been classified as a Variant of Uncertain Significance. Algorithms developed to predict the effect of missense changes on protein structure and function are either unavailable or do not agree on the potential impact of this missense change (SIFT: "Deleterious"; PolyPhen-2: "Benign"; Align-GVGD: "Class C25"). This variant has not been reported in the literature in individuals affected with SYNE1-related conditions. This variant is present in population databases (no rsID available, gnomAD 0.009%).